The following is an entry in ClinVar:

ClinVar aggregate classification (germline): Uncertain significance. Review status: criteria provided, multiple submitters, no conflicts (2 of 4 stars). 2 submissions from 2 submitters: Uncertain significance (2). Last evaluated 2024-05-15.

Conditions:
Inborn genetic diseases. Identifiers: MedGen C0950123, MeSH D030342.
Familial cold autoinflammatory syndrome 3 (FCAS3). Also called: ANTIBODY DEFICIENCY AND IMMUNE DYSREGULATION, PLCG2-ASSOCIATED; FAMILIAL ATYPICAL COLD URTICARIA. Identifiers: Orphanet 300359, MedGen C3280914, MONDO:0013766, OMIM 614468.

Allele frequency attached by ClinVar (database versions not stated): TOPMed 0.00001; gnomAD exomes 0.00002 and 0.00004; ExAC 0.00006.
gnomAD v4.1: 12 of 1,614,194 alleles (0.00074%); highest among the groups gnomAD compares: Admixed American, 0.018%; no homozygotes.

Submissions (2):

Ambry Genetics
Classification: Uncertain significance for Inborn genetic diseases. Last evaluated: 2024-05-15. Review status: criteria provided, single submitter. Criteria: Ambry Variant Classification Scheme 2023. Collection method: clinical testing. Allele origin: germline.

Labcorp Genetics (formerly Invitae), Labcorp
Classification: Uncertain significance for Familial cold autoinflammatory syndrome 3. Last evaluated: 2021-08-11. Review status: criteria provided, single submitter. Criteria: Invitae Variant Classification Sherloc (09022015). Collection method: clinical testing. Allele origin: germline.
Comment: In summary, the available evidence is currently insufficient to determine the role of this variant in disease. Therefore, it has been classified as a Variant of Uncertain Significance. Algorithms developed to predict the effect of missense changes on protein structure and function (SIFT, PolyPhen-2, Align-GVGD) all suggest that this variant is likely to be tolerated. This variant has not been reported in the literature in individuals affected with PLCG2-related conditions. This variant is present in population databases (rs778362699, ExAC 0.06%). This sequence change replaces serine with asparagine at codon 965 of the PLCG2 protein (p.Ser965Asn). The serine residue is moderately conserved and there is a small physicochemical difference between serine and asparagine.

NM_002661.5(PLCG2):c.2894G>A (p.Ser965Asn)

Gene: PLCG2 (phospholipase C gamma 2; plus strand). Cytogenetic location: 16q23.3.
Variant type: single nucleotide variant.
Coding change: c.2894G>A on transcript NM_002661.5 (MANE Select); coding-DNA position 2894, G replaced by A.
Protein change: p.Ser965Asn; replaces serine 965 with asparagine.
Molecular consequence: missense variant.
Genome position (GRCh38, 1-based): chr16:81,936,220, G>A. VCF-style: chr16-81936220-G-A. GRCh37 (hg19) VCF-style: chr16-81969825-G-A.
Other names: c.2894G>A (NM_002661.3); short protein forms S965N.
Identifiers: ClinVar variation 1433073 (VCV001433073.7), dbSNP rs778362699, ClinGen allele CA8194470.